The following is an entry in ClinVar:

NM_002226.5(JAG2):c.-7G>A

Gene: JAG2 (jagged canonical Notch ligand 2; minus strand). Cytogenetic location: 14q32.33.
Variant type: single nucleotide variant.
Coding change: c.-7G>A on transcript NM_002226.5 (MANE Select); 7 bases upstream of the start codon, G replaced by A.
Molecular consequence: 5 prime UTR variant.
Genome position (GRCh38, 1-based): chr14:105,168,427, C>T on the plus strand (G>A on the coding strand, the complement: JAG2 is on the minus strand). VCF-style: chr14-105168427-C-T. GRCh37 (hg19) VCF-style: chr14-105634764-C-T.
Other names: c.-7G>A (NM_145159.3).
Identifiers: ClinVar variation 3053085 (VCV003053085.2), dbSNP rs1046329512, ClinGen allele CA966936368.

ClinVar aggregate classification (germline): Likely benign (0 of 4 stars; one submission).

Conditions:
JAG2-related disorder. Also called: JAG2-related condition.

Submission:

PreventionGenetics, part of Exact Sciences
Classification: Likely benign for JAG2-related condition. Last evaluated: 2023-12-29. Review status: no assertion criteria provided. Collection method: clinical testing. Allele origin: germline.
Comment: This variant is classified as likely benign based on ACMG/AMP sequence variant interpretation guidelines (Richards et al. 2015 PMID: 25741868, with internal and published modifications).